The following is an entry in ClinVar:

NM_001039591.3(USP9X):c.4005G>C (p.Gln1335His)

Gene: USP9X (ubiquitin specific peptidase 9 X-linked; plus strand). Cytogenetic location: Xp11.4.
Variant type: single nucleotide variant.
Coding change: c.4005G>C on transcript NM_001039591.3 (MANE Select); coding-DNA position 4005, G replaced by C.
Protein change: p.Gln1335His; replaces glutamine 1335 with histidine.
Molecular consequence: missense variant.
Genome position (GRCh38, 1-based): chrX:41,196,278, G>C. VCF-style: chrX-41196278-G-C. GRCh37 (hg19) VCF-style: chrX-41055531-G-C.
Other names: c.4005G>C, p.Gln1335His (NM_001039590.3); c.4020G>C, p.Gln1340His (NM_001410748.1, NM_001410749.1); short protein forms Q1335H, Q1340H.
Identifiers: ClinVar variation 3764444 (VCV003764444.1).

ClinVar aggregate classification (germline): Uncertain significance (1 of 4 stars; one submission).

Submission:

GeneDx
Classification: Uncertain significance. Last evaluated: 2024-08-20. Review status: criteria provided, single submitter. Criteria: GeneDx Variant Classification Process June 2021. Collection method: clinical testing. Allele origin: germline. Affected: yes.
Comment: Not observed at significant frequency in large population cohorts (gnomAD); In silico analysis supports that this missense variant has a deleterious effect on protein structure/function; Has not been previously published as pathogenic or benign to our knowledge